The following is an entry in ClinVar:

ClinVar aggregate classification (germline): Likely benign. Review status: criteria provided, multiple submitters, no conflicts (2 of 4 stars). 6 submissions from 6 submitters: Likely benign (5). 1 of the submissions does not count toward it. Last evaluated 2025-12-31.

Conditions:
MYBPC3-related disorder. Also called: MYBPC3-related condition; MYBPC3-related disease; MYBPC3-related disorders.
Cardiovascular phenotype. Identifiers: MedGen CN230736.
Cardiomyopathy (CMYO). Also called: Cardiomyopathies. Identifiers: Orphanet 167848, MedGen C0878544, MONDO:0004994, HP:0001638. Inheritance: Various modes of inheritance.
Hypertrophic cardiomyopathy. Also called: HYPERTROPHIC MYOCARDIOPATHY. Identifiers: Orphanet 217569, MedGen C0007194, MeSH D002312, MONDO:0005045, HP:0001639.

Allele frequency attached by ClinVar (database versions not stated): ExAC 0.00001; gnomAD exomes 0.00001; gnomAD 0.00002; TOPMed 0.00004.
gnomAD v4.1: 28 of 1,609,240 alleles (0.0017%); highest among the groups gnomAD compares: Non-Finnish European, 0.0023%; no homozygotes.

Submissions (6):

Labcorp Genetics (formerly Invitae), Labcorp
Classification: Likely benign for Hypertrophic cardiomyopathy. Last evaluated: 2025-12-31. Review status: criteria provided, single submitter. Criteria: Invitae Variant Classification Sherloc (09022015). Collection method: clinical testing. Allele origin: germline.

All of Us Research Program, National Institutes of Health
Classification: Likely benign for Hypertrophic cardiomyopathy. Last evaluated: 2023-12-13. Review status: criteria provided, single submitter. Criteria: ACMG Guidelines, 2015. Collection method: clinical testing. Allele origin: germline. Inheritance: Autosomal dominant inheritance. Observed: 6 variant alleles, 6 heterozygotes.
Comment: This study involves interpretation of variants in research participants for the purpose of population health screening. Participant phenotype was not available at the time of variant classification. Additional details can be found in publication PMID: 35346344, PMCID: PMC8962531

Ambry Genetics
Classification: Likely benign for Cardiovascular phenotype. Last evaluated: 2023-10-19. Review status: criteria provided, single submitter. Criteria: Ambry Variant Classification Scheme 2023. Collection method: clinical testing. Allele origin: germline.

Color Diagnostics, LLC DBA Color Health
Classification: Likely benign for Cardiomyopathy. Last evaluated: 2018-11-21. Review status: criteria provided, single submitter. Criteria: ACMG Guidelines, 2015. Collection method: clinical testing. Allele origin: germline.

GeneDx
Classification: Likely benign. Last evaluated: 2017-04-05. Review status: criteria provided, single submitter. Criteria: GeneDx Variant Classification (06012015). Collection method: clinical testing. Allele origin: germline. Affected: yes.
Comment: This variant is considered likely benign or benign based on one or more of the following criteria: it is a conservative change, it occurs at a poorly conserved position in the protein, it is predicted to be benign by multiple in silico algorithms, and/or has population frequency not consistent with disease.

PreventionGenetics, part of Exact Sciences
Classification: Likely benign for MYBPC3-related condition. Last evaluated: 2020-08-31. Review status: no assertion criteria provided. Collection method: clinical testing. Allele origin: germline. Not counted in ClinVar's aggregate classification.
Comment: This variant is classified as likely benign based on ACMG/AMP sequence variant interpretation guidelines (Richards et al. 2015 PMID: 25741868, with internal and published modifications).

NM_000256.3(MYBPC3):c.147C>T (p.Ile49=)

Gene: MYBPC3 (myosin binding protein C3; minus strand). Cytogenetic location: 11p11.2.
Variant type: single nucleotide variant.
Coding change: c.147C>T on transcript NM_000256.3 (MANE Select); coding-DNA position 147, C replaced by T.
Protein change: p.Ile49=; no amino-acid change (isoleucine 49 retained).
Molecular consequence: synonymous variant.
Genome position (GRCh38, 1-based): chr11:47,351,384, G>A on the plus strand (C>T on the coding strand, the complement: MYBPC3 is on the minus strand). VCF-style: chr11-47351384-G-A. GRCh37 (hg19) VCF-style: chr11-47372935-G-A.
Other names: c.147C>T, p.Ile49= (LRG_386t1).
Identifiers: ClinVar variation 517831 (VCV000517831.28), dbSNP rs774273586, ClinGen allele CA045391.